The following is an entry in ClinVar:

NM_033305.3(VPS13A):c.2964+1G>T

Gene: VPS13A (vacuolar protein sorting 13 homolog A; plus strand). Cytogenetic location: 9q21.2.
Variant type: single nucleotide variant.
Coding change: c.2964+1G>T on transcript NM_033305.3 (MANE Select); the canonical splice donor site of the intron after coding-DNA position 2964, G replaced by T.
Molecular consequence: splice donor variant.
Genome position (GRCh38, 1-based): chr9:77,281,927, G>T. VCF-style: chr9-77281927-G-T. GRCh37 (hg19) VCF-style: chr9-79896843-G-T.
Other names: c.2964+1G>T (NM_001018037.2, NM_015186.4, NM_001018038.3).
Identifiers: ClinVar variation 5003405 (VCV005003405.1).

ClinVar aggregate classification (germline): Uncertain significance (1 of 4 stars; one submission).

Conditions:
VPS13A-related neurodegenerative disease. Also called: VPS13A Disease; Choreaacanthocytosis; Choreoacanthocytosis; Chorea-acanthocytosis; ACANTHOCYTOSIS WITH NEUROLOGIC DISORDER; LEVINE-CRITCHLEY SYNDROME. Identifiers: Orphanet 2388, MedGen C0393576, MONDO:0008695, OMIM 200150.

gnomAD v4.1: 7 of 1,547,782 alleles (0.00045%); highest among the groups gnomAD compares: Non-Finnish European, 0.00062%; no homozygotes.

Submission:

Myriad Genetics, Inc.
Classification: Uncertain significance for VPS13A-related neurodegenerative disease. Last evaluated: 2025-08-11. Review status: criteria provided, single submitter. Criteria: Myriad Autosomal Dominant, Autosomal Recessive and X-Linked Classification Criteria (2023). Collection method: clinical testing. Allele origin: unknown.
Comment: NM_033305.2(VPS13A):c.2964+1G>T is a variant in a canonical splice site classified as a variant of uncertain significance in the context of VPS13A disease. c.2964+1G>T has not been observed in cases with relevant disease. Relevant functional assessments of this variant are not available in the literature. c.2964+1G>T has not been observed in referenced population frequency databases. In summary, there is insufficient evidence to classify NM_033305.2(VPS13A):c.2964+1G>T as pathogenic or benign. Please note: this variant was assessed in the context of healthy population screening.